The following is an entry in ClinVar:

ClinVar aggregate classification (germline): Uncertain significance. Review status: criteria provided, single submitter (1 of 4 stars). 2 submissions from 2 submitters: Uncertain significance (1). 1 of the submissions does not count toward it. Last evaluated 2025-01-27.

Conditions:
SH2B1-related disorder. Also called: SH2B1-related condition.

gnomAD v4.1: 37 of 1,613,362 alleles (0.0023%); highest among the groups gnomAD compares: East Asian, 0.0089%; 1 homozygote.

Submissions (2):

Clinical Genomics Laboratory, Washington University in St. Louis
Classification: Uncertain significance. Last evaluated: 2025-01-27. Review status: criteria provided, single submitter. Criteria: ACMG Guidelines, 2015. Collection method: clinical testing. Allele origin: germline.
Comment: The SH2B1 c.544G>A (p.Ala182Thr) variant, to our knowledge, has not been reported in the medical literature. This variant has been reported in the ClinVar database as a variant of uncertain significance by one submitter (Variation ID: 3358520). The highest population minor allele frequency in the Genome Aggregation Database (v.2.1.1) is 0.0033% in the South Asian population. Computational predictors suggest that the variant does not impact SH2B1 function. Due to limited information, and based on ACMG/AMP guidelines for variant interpretation (Richards S et al., PMID: 25741868), the clinical significance of this variant is uncertain at this time.

PreventionGenetics, part of Exact Sciences
Classification: Uncertain significance for SH2B1-related condition. Last evaluated: 2024-04-23. Review status: no assertion criteria provided. Collection method: clinical testing. Allele origin: germline. Not counted in ClinVar's aggregate classification.
Comment: The SH2B1 c.544G>A variant is predicted to result in the amino acid substitution p.Ala182Thr. To our knowledge, this variant has not been reported in the literature. This variant is reported in 0.0033% of alleles in individuals of South Asian descent in gnomAD. At this time, the clinical significance of this variant is uncertain due to the absence of conclusive functional and genetic evidence.

NM_001387430.1(SH2B1):c.544G>A (p.Ala182Thr)

Gene: SH2B1 (SH2B adaptor protein 1; plus strand). Cytogenetic location: 16p11.2.
Variant type: single nucleotide variant.
Coding change: c.544G>A on transcript NM_001387430.1 (MANE Select); coding-DNA position 544, G replaced by A.
Protein change: p.Ala182Thr; replaces alanine 182 with threonine.
Molecular consequence: missense variant. On other transcripts: intron variant (1).
Genome position (GRCh38, 1-based): chr16:28,866,638, G>A. VCF-style: chr16-28866638-G-A. GRCh37 (hg19) VCF-style: chr16-28877959-G-A.
Other names: c.544G>A, p.Ala182Thr (NM_001145795.2, NM_001145796.2, NM_001145797.2 and 4 more transcripts); c.-26-736G>A (NM_001308294.2); short protein forms A182T.
Identifiers: ClinVar variation 3358520 (VCV003358520.2).